The following is an entry in ClinVar:

NM_001242896.3(DEPDC5):c.1325-2A>G

Gene: DEPDC5 (DEP domain containing 5, GATOR1 subcomplex subunit; plus strand). Cytogenetic location: 22q12.3.
Variant type: single nucleotide variant.
Coding change: c.1325-2A>G on transcript NM_001242896.3 (MANE Select); the canonical splice acceptor site of the intron before coding-DNA position 1325, A replaced by G.
Molecular consequence: splice acceptor variant.
Genome position (GRCh38, 1-based): chr22:31,810,519, A>G. VCF-style: chr22-31810519-A-G. GRCh37 (hg19) VCF-style: chr22-32206505-A-G.
Other names: c.1325-2A>G (NM_001364318.2, NM_001136029.4, NM_014662.6 and 7 more transcripts); c.1241-2A>G (NM_001369902.1, NM_001369901.1).
Identifiers: ClinVar variation 1505530 (VCV001505530.6), dbSNP rs2148707066, ClinGen allele CA411276669.

ClinVar aggregate classification (germline): Likely pathogenic (1 of 4 stars; one submission).

Conditions:
Familial focal epilepsy with variable foci (FPEVF). Identifiers: Orphanet 98820, MedGen C1858477, MONDO:0020310.

Submission:

Labcorp Genetics (formerly Invitae), Labcorp
Classification: Likely pathogenic for Familial focal epilepsy with variable foci. Last evaluated: 2022-03-18. Review status: criteria provided, single submitter. Criteria: Invitae Variant Classification Sherloc (09022015). Collection method: clinical testing. Allele origin: germline.
Comment: This sequence change affects an acceptor splice site in intron 19 of the DEPDC5 gene. It is expected to disrupt RNA splicing. Variants that disrupt the donor or acceptor splice site typically lead to a loss of protein function (PMID: 16199547), and loss-of-function variants in DEPDC5 are known to be pathogenic (PMID: 23542697, 23542701). This variant is not present in population databases (gnomAD no frequency). This variant has not been reported in the literature in individuals affected with DEPDC5-related conditions. Algorithms developed to predict the effect of sequence changes on RNA splicing suggest that this variant may disrupt the consensus splice site. In summary, the currently available evidence indicates that the variant is pathogenic, but additional data are needed to prove that conclusively. Therefore, this variant has been classified as Likely Pathogenic.

Literature cited by the submitters: PubMed 16199547; PubMed 23542697; PubMed 23542701.